The following is an entry in ClinVar:

NM_024422.6(DSC2):c.1957A>G (p.Arg653Gly)

Gene: DSC2 (desmocollin 2; minus strand). Cytogenetic location: 18q12.1.
Variant type: single nucleotide variant.
Coding change: c.1957A>G on transcript NM_024422.6 (MANE Select); coding-DNA position 1957, A replaced by G.
Protein change: p.Arg653Gly; replaces arginine 653 with glycine.
Molecular consequence: missense variant.
Genome position (GRCh38, 1-based): chr18:31,071,773, T>C on the plus strand (A>G on the coding strand, the complement: DSC2 is on the minus strand). VCF-style: chr18-31071773-T-C. GRCh37 (hg19) VCF-style: chr18-28651739-T-C.
Other names: c.1957A>G, p.Arg653Gly (NM_004949.5); short protein forms R653G.
Identifiers: ClinVar variation 648086 (VCV000648086.8), dbSNP rs1598573489, ClinGen allele CA402113283.

ClinVar aggregate classification (germline): Uncertain significance (1 of 4 stars; one submission).

Conditions:
Arrhythmogenic right ventricular dysplasia 11. Also called: Arrhythmogenic right ventricular dysplasia 11 with mild palmoplantar keratoderma and woolly hair; Arrhythmogenic Right Ventricular Dysplasia/Cardiomyopathy11; ARRHYTHMOGENIC RIGHT VENTRICULAR DYSPLASIA, FAMILIAL, 11. Identifiers: MedGen C1864850, MONDO:0012506, OMIM 610476.

Submission:

Labcorp Genetics (formerly Invitae), Labcorp
Classification: Uncertain significance for Arrhythmogenic right ventricular dysplasia 11. Last evaluated: 2018-09-20. Review status: criteria provided, single submitter. Criteria: Invitae Variant Classification Sherloc (09022015). Collection method: clinical testing. Allele origin: germline.
Comment: This variant is not present in population databases (ExAC no frequency). In summary, the available evidence is currently insufficient to determine the role of this variant in disease. Therefore, it has been classified as a Variant of Uncertain Significance. Algorithms developed to predict the effect of missense changes on protein structure and function (SIFT, PolyPhen-2, Align-GVGD) all suggest that this variant is likely to be tolerated, but these predictions have not been confirmed by published functional studies and their clinical significance is uncertain. This variant has not been reported in the literature in individuals with DSC2-related disease. This sequence change replaces arginine with glycine at codon 653 of the DSC2 protein (p.Arg653Gly). The arginine residue is weakly conserved and there is a moderate physicochemical difference between arginine and glycine.